The following is an entry in ClinVar:

ClinVar aggregate classification (germline): Conflicting classifications of pathogenicity. Review status: criteria provided, conflicting classifications (1 of 4 stars). 2 submissions from 2 submitters: Likely pathogenic (1); Uncertain significance (1). Last evaluated 2026-04-01.

Conditions:
Primary ciliary dyskinesia. Also called: Ciliary dyskinesia. Identifiers: Orphanet 244, MedGen C0008780, MONDO:0016575, HP:0012265.
Fetal akinesia deformation sequence 1 (FADS1). Also called: Pena-Shokeir syndrome type I; Fetal akinesia sequence. Identifiers: Orphanet 994, MedGen C1276035, MONDO:0100101, OMIM 208150, HP:0001989.
Arthrogryposis multiplex congenita (AMC). Also called: Congenital multiple arthrogryposis; Fibrous ankylosis of multiple joints; Congenital arthromyodysplasia; Myodystrophia fetalis deformans; Otto syndrome; Rocher-Sheldon syndrome. Identifiers: Orphanet 1037, MedGen C5779613, MeSH D001176, MONDO:0015168, HP:0002804.

Submissions (2):

Department of Human Genetics, Hannover Medical School
Classification: Likely pathogenic for Primary Ciliary Dyskinesia. Last evaluated: 2026-04-01. Review status: criteria provided, single submitter. Criteria: ACMG Guidelines, 2015. Collection method: research. Allele origin: germline. Affected: no.
Comment: Classification performed by HerediClassify using the following criteria:['PM2_supporting: Variant occures does not occur as homozygous in gnomAD.', 'PVS1_protein_very_strong: Transcript ENST00000331683 is predicted to undergo NMD.']

Cirak Lab, University Hospital Cologne
Classification: Uncertain significance for Arthrogryposis multiplex congenita; Fetal akinesia sequence. Last evaluated: 2019-06-28. Review status: criteria provided, single submitter. Criteria: ACMG Guidelines, 2015. Collection method: research. Allele origin: paternal. Affected: yes. Observed: 1 variant allele.

Literature cited by the submitters: PubMed 31680123 (cited by Cirak Lab, University Hospital Cologne).

NM_024532.5(SPAG16):c.1423_1426del (p.Tyr475fs)

Gene: SPAG16 (sperm associated antigen 16; plus strand). Cytogenetic location: 2q34.
Variant type: Deletion.
Coding change: c.1423_1426del on transcript NM_024532.5 (MANE Select); coding-DNA positions 1423 to 1426, 4 bases deleted (TATG; older notation c.1423_1426delTATG).
Protein change: p.Tyr475fs; shifts the reading frame from tyrosine 475.
Molecular consequence: frameshift variant. On other transcripts: non-coding transcript variant (2).
Genome position (GRCh38, 1-based): chr2:214,013,973-214,013,976, TATG deleted; deleting any 4 consecutive bases within chr2:214,013,971-214,013,976 gives the same sequence; the c. name uses the placement nearest the transcript's 3' end. VCF-style (leftmost placement, unchanged base first): chr2-214013970-TTGTA-T. GRCh37 (hg19) VCF-style: chr2-214878694-TTGTA-T.
Other names: short protein forms Y475fs.
Identifiers: ClinVar variation 692320 (VCV000692320.3), dbSNP rs535028567, ClinGen allele CA2089708.